The following is an entry in ClinVar:

ClinVar aggregate classification (germline): Conflicting classifications of pathogenicity. Review status: criteria provided, conflicting classifications (1 of 4 stars). 7 submissions from 7 submitters: Uncertain significance (4); Likely benign (3). Last evaluated 2025-07-03.

Conditions:
Hereditary cancer-predisposing syndrome. Also called: Tumor predisposition; Hereditary Cancer Syndrome; Neoplastic Syndromes, Hereditary; Hereditary neoplastic syndrome. Identifiers: Orphanet 140162, MedGen C0027672, MeSH D009386, MONDO:0015356.
Breast-ovarian cancer, familial, susceptibility to, 2 (BROVCA2). Also called: BRCA2 Hereditary Breast and Ovarian Cancer. Identifiers: Orphanet 145, MedGen C2675520, MONDO:0012933, OMIM 612555. Disease mechanism: loss of function.
Hereditary breast ovarian cancer syndrome. Also called: Hereditary breast and ovarian cancer; Hereditary breast and ovarian cancer syndrome (HBOC); Hereditary breast and ovarian cancer syndrome; BRCA1- and BRCA2-Associated Hereditary Breast and Ovarian Cancer; Hereditary breast and/or ovarian cancer syndrome; Breast and ovarian cancer. Identifiers: Orphanet 145, MedGen C0677776, MeSH D061325, MONDO:0003582. Disease mechanism: loss of function.

Allele frequency attached by ClinVar (database versions not stated): gnomAD exomes below 0.00001 and 0.00002; gnomAD 0.00001.
gnomAD v4.1: 31 of 1,613,544 alleles (0.0019%); highest among the groups gnomAD compares: East Asian, 0.0089%; no homozygotes.

Submissions (7):

Color Diagnostics, LLC DBA Color Health
Classification: Likely benign for Hereditary cancer-predisposing syndrome. Last evaluated: 2025-07-03. Review status: criteria provided, single submitter. Criteria: ACMG Guidelines, 2015. Collection method: clinical testing. Allele origin: germline.

Labcorp Genetics (formerly Invitae), Labcorp
Classification: Uncertain significance for Hereditary breast ovarian cancer syndrome. Last evaluated: 2025-03-26. Review status: criteria provided, single submitter. Criteria: Invitae Variant Classification Sherloc (09022015). Collection method: clinical testing. Allele origin: germline.
Comment: This sequence change replaces asparagine, which is neutral and polar, with serine, which is neutral and polar, at codon 2374 of the BRCA2 protein (p.Asn2374Ser). This variant is present in population databases (no rsID available, gnomAD 0.004%). This missense change has been observed in individual(s) with breast cancer (PMID: 30287823). ClinVar contains an entry for this variant (Variation ID: 479361). Invitae Evidence Modeling of protein sequence and biophysical properties (such as structural, functional, and spatial information, amino acid conservation, physicochemical variation, residue mobility, and thermodynamic stability) indicates that this missense variant is not expected to disrupt BRCA2 protein function with a negative predictive value of 95%. In summary, the available evidence is currently insufficient to determine the role of this variant in disease. Therefore, it has been classified as a Variant of Uncertain Significance.

KCCC/NGS Laboratory, Kuwait Cancer Control Center
Classification: Uncertain significance for Breast-ovarian cancer, familial, susceptibility to, 2. Last evaluated: 2023-06-14. Review status: criteria provided, single submitter. Criteria: ACMG Guidelines, 2015. Collection method: clinical testing. Allele origin: unknown. Inheritance: Autosomal dominant inheritance. Affected: yes.
Comment: A variant of uncertain significance was detected in the BRCA2 gene (c.7121A>G). This sequence change replaces asparagine, which is neutral and polar, with serine, which is neutral and polar, at codon 2374 of the BRCA2 protein (p.Asn2374Ser). This variant is present in population databases (gnomAD 0.004%). This missense change has been observed in individual(s) with breast cancer (PMID: 32980694, 27535533, 30287823). ClinVar contains an entry for this variant (Variation ID: 479361). Computational prediction is benign based on PolyPhen, SIFT, BayesDel_addAF, DANN, FATHMM-MKL, M-CAP, MVP , EIGEN, MutationTaster and PrimateAI. In summary, the available evidence is currently insufficient to determine the role of this variant in disease. Therefore, it has been classified as a Variant of Uncertain Significance.

GeneDx
Classification: Uncertain significance. Last evaluated: 2023-05-17. Review status: criteria provided, single submitter. Criteria: GeneDx Variant Classification Process June 2021. Collection method: clinical testing. Allele origin: germline. Affected: yes.
Comment: Observed in individuals with breast cancer, but also in unaffected controls (Momozawa et al., 2018); In silico analysis supports that this missense variant does not alter protein structure/function; Not observed at significant frequency in large population cohorts (gnomAD); Also known as 7349A>G; This variant is associated with the following publications: (PMID: 32980694, 32377563, 29884841, 30287823)

Blueprint Genetics
Classification: Likely benign. Last evaluated: 2022-12-21. Review status: criteria provided, single submitter. Criteria: ACMG Guidelines, 2015. Collection method: clinical testing. Allele origin: germline.

Quest Diagnostics Nichols Institute San Juan Capistrano
Classification: Uncertain significance. Last evaluated: 2021-07-02. Review status: criteria provided, single submitter. Criteria: Quest Diagnostics criteria. Collection method: clinical testing. Allele origin: unknown.

Ambry Genetics
Classification: Likely benign for Hereditary cancer-predisposing syndrome. Last evaluated: 2016-10-24. Review status: criteria provided, single submitter. Criteria: Ambry Variant Classification Scheme 2023. Collection method: clinical testing. Allele origin: germline.

Literature cited by the submitters: PubMed 30287823 (cited by Labcorp Genetics (formerly Invitae), Labcorp and Quest Diagnostics Nichols Institute San Juan Capistrano).

NM_000059.4(BRCA2):c.7121A>G (p.Asn2374Ser)

Gene: BRCA2 (BRCA2 DNA repair associated; plus strand). Cytogenetic location: 13q13.1.
Variant type: single nucleotide variant.
Coding change: c.7121A>G on transcript NM_000059.4 (MANE Select); coding-DNA position 7121, A replaced by G.
Protein change: p.Asn2374Ser; replaces asparagine 2374 with serine.
Molecular consequence: missense variant.
Genome position (GRCh38, 1-based): chr13:32,354,974, A>G. VCF-style: chr13-32354974-A-G. GRCh37 (hg19) VCF-style: chr13-32929111-A-G.
Other names: short protein forms N2374S.
Identifiers: ClinVar variation 479361 (VCV000479361.25), dbSNP rs1379054137, ClinGen allele CA387738734.
Genomic context (GRCh38, chr13:32,354,974, plus strand): 5'-AAGAATTTCTGTCTAAATCTCATTTGTATGAACATCTGACTTTGGAAAAATCTTCAAGCA[A>G]TTTAGCAGTTTCAGGACATCCATTTTATCAAGTTTCTGCTACAAGAAATGAAAAAATGAG-3'
Protein context (NP_000050.3, residues 2364-2384): EHLTLEKSSS[Asn2374Ser]LAVSGHPFYQ